The following is an entry in ClinVar:

ClinVar aggregate classification (germline): Pathogenic (1 of 4 stars; one submission).

Conditions:
Supravalvar aortic stenosis (SVAS). Also called: Supravalvar aortic stenosis, Eisenberg type. Identifiers: Orphanet 3193, MedGen C0003499, MONDO:0008504, OMIM 185500, HP:0004381.

Submission:

Labcorp Genetics (formerly Invitae), Labcorp
Classification: Pathogenic for Supravalvar aortic stenosis. Last evaluated: 2021-08-12. Review status: criteria provided, single submitter. Criteria: Invitae Variant Classification Sherloc (09022015). Collection method: clinical testing. Allele origin: germline.
Comment: This variant is a gross deletion of the genomic region encompassing exon(s) 34 of the ELN gene, which includes the termination codon. This deletion extends beyond the assayed region for this gene and therefore may encompass additional genes. While this deletion is not anticipated to lead to nonsense mediated decay, it is expected to alter mRNA translation or result in a truncated protein product. This variant has not been reported in the literature in individuals affected with ELN-related conditions. This variant disrupts a region of the ELN protein in which other variant(s) (p.Arg789Glyfs*30) have been determined to be pathogenic (PMID: 23442826). This suggests that this is a clinically significant region of the protein, and that variants that disrupt it are likely to be disease-causing. For these reasons, this variant has been classified as Pathogenic.

Literature cited by the submitters: PubMed 23442826.

NC_000007.14:g.(?_74068637)_(74068720_?)del

Gene: ELN (elastin; plus strand). Cytogenetic location: 7q11.23.
Variant type: Deletion.
Identifiers: ClinVar variation 832918 (VCV000832918.6).